The following is an entry in ClinVar:

ClinVar aggregate classification (germline): Uncertain significance. Review status: criteria provided, multiple submitters, no conflicts (2 of 4 stars). 2 submissions from 2 submitters: Uncertain significance (2). Last evaluated 2025-06-09.

Conditions:
Hereditary cancer-predisposing syndrome. Also called: Tumor predisposition; Hereditary neoplastic syndrome; Neoplastic Syndromes, Hereditary; Hereditary Cancer Syndrome. Identifiers: Orphanet 140162, MedGen C0027672, MeSH D009386, MONDO:0015356.
Familial adenomatous polyposis 1 (FAP1). Also called: POLYPOSIS, ADENOMATOUS INTESTINAL; FAMILIAL ADENOMATOUS POLYPOSIS 1, ATTENUATED. Identifiers: MedGen C2713442, MONDO:0021056, OMIM 175100. Disease mechanism: loss of function.

Allele frequency attached by ClinVar (database versions not stated): gnomAD exomes below 0.00001.
gnomAD v4.1: 1 of 1,613,772 alleles (0.000062%); highest among the groups gnomAD compares: East Asian, 0.0022%; no homozygotes.

Submissions (2):

Ambry Genetics
Classification: Uncertain significance for Hereditary cancer-predisposing syndrome. Last evaluated: 2025-06-09. Review status: criteria provided, single submitter. Criteria: Ambry Variant Classification Scheme 2023. Collection method: clinical testing. Allele origin: germline.
Comment: The p.S2575P variant (also known as c.7723T>C), located in coding exon 15 of the APC gene, results from a T to C substitution at nucleotide position 7723. The serine at codon 2575 is replaced by proline, an amino acid with similar properties. This amino acid position is highly conserved in available vertebrate species. In addition, in silico predictors for this gene do not accurately predict pathogenicity. Missense alterations in APC are not a common cause of disease (Spier I et al. Genet Med. 2024 Feb;26(2):100992). Based on the available evidence, the clinical significance of this variant remains unclear.

Labcorp Genetics (formerly Invitae), Labcorp
Classification: Uncertain significance for Familial adenomatous polyposis 1. Last evaluated: 2019-10-21. Review status: criteria provided, single submitter. Criteria: Invitae Variant Classification Sherloc (09022015). Collection method: clinical testing. Allele origin: germline.
Comment: This variant has not been reported in the literature in individuals with APC-related conditions. Algorithms developed to predict the effect of missense changes on protein structure and function are either unavailable or do not agree on the potential impact of this missense change (SIFT: "Deleterious"; PolyPhen-2: "Probably Damaging"; Align-GVGD: "Class C0"). In summary, the available evidence is currently insufficient to determine the role of this variant in disease. Therefore, it has been classified as a Variant of Uncertain Significance. This variant is not present in population databases (ExAC no frequency). This sequence change replaces serine with proline at codon 2575 of the APC protein (p.Ser2575Pro). The serine residue is highly conserved and there is a moderate physicochemical difference between serine and proline.

NM_000038.6(APC):c.7723T>C (p.Ser2575Pro)

Gene: APC (APC regulator of Wnt signaling pathway; plus strand). Cytogenetic location: 5q22.2.
Variant type: single nucleotide variant.
Coding change: c.7723T>C on transcript NM_000038.6 (MANE Select); coding-DNA position 7723, T replaced by C.
Protein change: p.Ser2575Pro; replaces serine 2575 with proline.
Molecular consequence: missense variant.
Genome position (GRCh38, 1-based): chr5:112,843,317, T>C. VCF-style: chr5-112843317-T-C. GRCh37 (hg19) VCF-style: chr5-112179014-T-C.
Other names: c.7723T>C, p.Ser2575Pro (NM_001127510.3, NM_001354895.2); c.7669T>C, p.Ser2557Pro (NM_001127511.3); c.7777T>C, p.Ser2593Pro (NM_001354896.2); c.7753T>C, p.Ser2585Pro (NM_001354897.2); c.7648T>C, p.Ser2550Pro (NM_001354898.2); c.7639T>C, p.Ser2547Pro (NM_001354899.2); c.7600T>C, p.Ser2534Pro (NM_001354900.2); c.7546T>C, p.Ser2516Pro (NM_001354901.2); and 5 more; short protein forms S2449P, S2484P, S2516P, S2547P, S2575P, S2415P, S2550P, S2557P.
Identifiers: ClinVar variation 960729 (VCV000960729.14), dbSNP rs1766547470, ClinGen allele CA16038103.